The following is an entry in ClinVar:

ClinVar aggregate classification (germline): Conflicting classifications of pathogenicity. Review status: criteria provided, conflicting classifications (1 of 4 stars). 7 submissions from 7 submitters: Uncertain significance (1); Likely benign (3). 3 of the submissions do not count toward it. Last evaluated 2026-01-18.

Conditions:
Retinitis pigmentosa (RP). Identifiers: Orphanet 791, MedGen C0035334, MeSH D012174, MONDO:0019200, OMIM 268000. Inheritance: Autosomal dominant, autosomal recessive and X linked inheritance.
Autosomal recessive retinitis pigmentosa. Identifiers: MedGen C0339526.

Allele frequency attached by ClinVar (database versions not stated): 1000 Genomes Project 0.00020; ESP Exome Variant Server 0.00022; ExAC 0.00032; gnomAD 0.00040; gnomAD exomes 0.00042 and 0.00044; TOPMed 0.00052; 1000 Genomes Project 30x 0.00062.
gnomAD v4.1: 680 of 1,551,212 alleles (0.044%); highest among the groups gnomAD compares: Admixed American, 0.13%; no homozygotes.

Submissions (7):

Labcorp Genetics (formerly Invitae), Labcorp
Classification: Likely benign. Last evaluated: 2026-01-18. Review status: criteria provided, single submitter. Criteria: Invitae Variant Classification Sherloc (09022015). Collection method: clinical testing. Allele origin: germline.

Blueprint Genetics
Classification: Likely benign. Last evaluated: 2024-09-24. Review status: criteria provided, single submitter. Criteria: ACMG Guidelines, 2015. Collection method: clinical testing. Allele origin: germline.

CeGaT Center for Human Genetics Tuebingen
Classification: Likely benign. Last evaluated: 2022-11-01. Review status: criteria provided, single submitter. Criteria: CeGaT Center For Human Genetics Tuebingen Variant Classification Criteria Version 2. Collection method: clinical testing. Allele origin: germline. Affected: yes. Observed: 1 variant allele.
Comment: EYS: BP4, BP7

Illumina Laboratory Services, Illumina
Classification: Uncertain significance for Retinitis pigmentosa. Last evaluated: 2017-04-27. Review status: criteria provided, single submitter. Criteria: ICSL Variant Classification Criteria 13 December 2019. Collection method: clinical testing. Allele origin: germline.
Comment: This variant was observed as part of a predisposition screen in an ostensibly healthy population. A literature search was performed for the gene, cDNA change, and amino acid change (where applicable). Publications were found based on this search. However, the evidence from the literature, in combination with allele frequency data from public databases where available, was not sufficient to rule this variant in or out of causing disease. Therefore, this variant is classified as a variant of unknown significance.

Natera, Inc.
Classification: Uncertain significance for Autosomal recessive retinitis pigmentosa. Last evaluated: 2020-06-25. Review status: no assertion criteria provided. Collection method: clinical testing. Allele origin: germline. Not counted in ClinVar's aggregate classification.

Clinical Genetics DNA and cytogenetics Diagnostics Lab, Erasmus MC, Erasmus Medical Center
Classification: Likely benign. Review status: no assertion criteria provided. Collection method: clinical testing. Allele origin: germline. Affected: yes. Study: VKGL Data-share Consensus. Not counted in ClinVar's aggregate classification.

Clinical Genetics, Academic Medical Center
Classification: Likely benign. Review status: no assertion criteria provided. Collection method: clinical testing. Allele origin: germline. Affected: yes. Study: VKGL Data-share Consensus. Not counted in ClinVar's aggregate classification.

Literature cited by the submitters: PubMed 20333770 (cited by Illumina Laboratory Services, Illumina).

NM_001142800.2(EYS):c.2598C>T (p.Cys866=)

Gene: EYS (EGF-like photoreceptor maintenance factor; minus strand). Cytogenetic location: 6q12.
Variant type: single nucleotide variant.
Coding change: c.2598C>T on transcript NM_001142800.2 (MANE Select); coding-DNA position 2598, C replaced by T.
Protein change: p.Cys866=; no amino-acid change (cysteine 866 retained).
Molecular consequence: synonymous variant.
Genome position (GRCh38, 1-based): chr6:64,912,527, G>A on the plus strand (C>T on the coding strand, the complement: EYS is on the minus strand). VCF-style: chr6-64912527-G-A. GRCh37 (hg19) VCF-style: chr6-65622420-G-A.
Other names: c.2598C>T, p.Cys866= (NM_001292009.2).
Identifiers: ClinVar variation 710846 (VCV000710846.43), dbSNP rs183814213, ClinGen allele CA3877272.